The following is an entry in ClinVar:

ClinVar aggregate classification (germline): Likely pathogenic. Review status: criteria provided, multiple submitters, no conflicts (2 of 4 stars). 2 submissions from 2 submitters: Likely pathogenic (2). Last evaluated 2022-08-02.

Conditions:
Muscular dystrophy-dystroglycanopathy (congenital with brain and eye anomalies), type A3. Also called: WALKER-WARBURG SYNDROME OR MUSCLE-EYE-BRAIN DISEASE, POMGNT1-RELATED; Congenital muscular dystrophy-dystroglycanopathy with brain and eye anomalies, type A3; Muscular dystrophy-dystroglycanopathy (congenital with brain and eye anomalies), type A, 3. Identifiers: MedGen C3151519, MONDO:0009667, OMIM 253280.
Autosomal recessive limb-girdle muscular dystrophy type 2O. Also called: Limb-Girdle Muscular Dystrophy Type 3C; MUSCULAR DYSTROPHY-DYSTROGLYCANOPATHY (LIMB-GIRDLE), TYPE C, 3; MUSCULAR DYSTROPHY-DYSTROGLYCANOPATHY, LIMB-GIRDLE, POMGNT1-RELATED. Identifiers: Orphanet 206564, MedGen C3150417, MONDO:0013161, OMIM 613157.
Muscular dystrophy-dystroglycanopathy (congenital with impaired intellectual development), type B, 3. Also called: Muscular dystrophy-dystroglycanopathy (congenital with intellectual disability), type B3; MUSCULAR DYSTROPHY, CONGENITAL, POMGNT1-RELATED. Identifiers: MedGen C3150412, MONDO:0013155, OMIM 613151.

Submissions (2):

Labcorp Genetics (formerly Invitae), Labcorp
Classification: Likely pathogenic for Autosomal recessive limb-girdle muscular dystrophy type 2O; Muscular dystrophy-dystroglycanopathy (congenital with impaired intellectual development), type B, 3. Last evaluated: 2022-08-02. Review status: criteria provided, single submitter. Criteria: Invitae Variant Classification Sherloc (09022015). Collection method: clinical testing. Allele origin: germline.
Comment: This sequence change affects a donor splice site in intron 3 of the POMGNT1 gene. It is expected to disrupt RNA splicing. Variants that disrupt the donor or acceptor splice site typically lead to a loss of protein function (PMID: 16199547), and loss-of-function variants in POMGNT1 are known to be pathogenic (PMID: 19299310, 20816175, 21447391, 26908613, 27391550). This variant is not present in population databases (gnomAD no frequency). In summary, the currently available evidence indicates that the variant is pathogenic, but additional data are needed to prove that conclusively. Therefore, this variant has been classified as Likely Pathogenic. Algorithms developed to predict the effect of sequence changes on RNA splicing suggest that this variant may disrupt the consensus splice site. ClinVar contains an entry for this variant (Variation ID: 1685411). This variant has not been reported in the literature in individuals affected with POMGNT1-related conditions.

Mendelics
Classification: Likely pathogenic for Muscular dystrophy-dystroglycanopathy (congenital with brain and eye anomalies), type A3. Last evaluated: 2022-05-04. Review status: criteria provided, single submitter. Criteria: Mendelics Assertion Criteria 2019. Collection method: clinical testing. Allele origin: germline.

Literature cited by the submitters: PubMed 16199547 (cited by Labcorp Genetics (formerly Invitae), Labcorp); PubMed 19299310 (cited by Labcorp Genetics (formerly Invitae), Labcorp); PubMed 20816175 (cited by Labcorp Genetics (formerly Invitae), Labcorp); PubMed 21447391 (cited by Labcorp Genetics (formerly Invitae), Labcorp); PubMed 26908613 (cited by Labcorp Genetics (formerly Invitae), Labcorp); PubMed 27391550 (cited by Labcorp Genetics (formerly Invitae), Labcorp).

NM_017739.4(POMGNT1):c.235+2T>G

Gene: POMGNT1 (protein O-linked mannose N-acetylglucosaminyltransferase 1 (beta 1,2-); minus strand). Cytogenetic location: 1p34.1.
Variant type: single nucleotide variant.
Coding change: c.235+2T>G on transcript NM_017739.4 (MANE Select); the canonical splice donor site of the intron after coding-DNA position 235, T replaced by G.
Molecular consequence: splice donor variant.
Genome position (GRCh38, 1-based): chr1:46,196,968, A>C on the plus strand (T>G on the coding strand, the complement: POMGNT1 is on the minus strand). VCF-style: chr1-46196968-A-C. GRCh37 (hg19) VCF-style: chr1-46662640-A-C.
Other names: c.235+2T>G (NM_001243766.2, NM_001438686.1, NM_001438688.1 and 3 more transcripts); c.169+2T>G (NM_001290129.3, NM_001438691.1, NM_001438692.1); c.-195+2T>G (NM_001290130.2).
Identifiers: ClinVar variation 1685411 (VCV001685411.6), dbSNP rs2148218654, ClinGen allele CA340191795.